The following is an entry in ClinVar:

NM_004713.6(NEMF):c.33C>T (p.Arg11=)

Gene: NEMF (nuclear export mediator factor; minus strand). Cytogenetic location: 14q21.3.
Variant type: single nucleotide variant.
Coding change: c.33C>T on transcript NM_004713.6 (MANE Select); coding-DNA position 33, C replaced by T.
Protein change: p.Arg11=; no amino-acid change (arginine 11 retained).
Molecular consequence: synonymous variant.
Genome position (GRCh38, 1-based): chr14:49,852,721, G>A on the plus strand (C>T on the coding strand, the complement: NEMF is on the minus strand). VCF-style: chr14-49852721-G-A. GRCh37 (hg19) VCF-style: chr14-50319439-G-A.
Other names: c.33C>T, p.Arg11= (NM_001301732.3).
Identifiers: ClinVar variation 2644221 (VCV002644221.25), dbSNP rs151210174, ClinGen allele CA7175804.

ClinVar aggregate classification (germline): Likely benign. Review status: criteria provided, multiple submitters, no conflicts (2 of 4 stars). 2 submissions from 2 submitters: Likely benign (2). Last evaluated 2024-11-06.

Allele frequency attached by ClinVar (database versions not stated): ESP Exome Variant Server 0.00015; gnomAD 0.00029; TOPMed 0.00032; 1000 Genomes Project 0.00060; ExAC 0.00061; 1000 Genomes Project 30x 0.00078.
gnomAD v4.1: 774 of 1,614,238 alleles (0.048%); highest among the groups gnomAD compares: South Asian, 0.35%; 2 homozygotes.

Submissions (2):

Blueprint Genetics
Classification: Likely benign. Last evaluated: 2024-11-06. Review status: criteria provided, single submitter. Criteria: ACMG Guidelines, 2015. Collection method: clinical testing. Allele origin: germline.

CeGaT Center for Human Genetics Tuebingen
Classification: Likely benign. Last evaluated: 2024-08-01. Review status: criteria provided, single submitter. Criteria: CeGaT Center For Human Genetics Tuebingen Variant Classification Criteria Version 2. Collection method: clinical testing. Allele origin: germline. Affected: yes. Observed: 2 variant alleles.
Comment: NEMF: BP4, BP7